The following is an entry in ClinVar:

NM_000051.4(ATM):c.6053T>G (p.Leu2018Trp)

Genes: ATM (ATM serine/threonine kinase; plus strand), C11orf65 (chromosome 11 open reading frame 65; minus strand). Cytogenetic location: 11q22.3.
Variant type: single nucleotide variant.
Coding change: c.6053T>G on transcript NM_000051.4 (MANE Select); coding-DNA position 6053, T replaced by G.
Protein change: p.Leu2018Trp; replaces leucine 2018 with tryptophan.
Molecular consequence: missense variant. On other transcripts: intron variant (2).
Genome position (GRCh38, 1-based): chr11:108,315,869, T>G. VCF-style: chr11-108315869-T-G. GRCh37 (hg19) VCF-style: chr11-108186596-T-G.
Other names: c.*39-6798A>C (NM_001351110.2); c.6053T>G, p.Leu2018Trp (NM_001351834.2); c.641-6798A>C (NM_001330368.2); short protein forms L2018W.
Identifiers: ClinVar variation 2790824 (VCV002790824.4), dbSNP rs755694394, ClinGen allele CA6265840.
Genomic context (GRCh38, chr11:108,315,869, plus strand): 5'-TTCCATGTTTTCAGGATCTTCTCTTAGAAATCTACAGAAGTATAGGGGAGCCAGATAGTT[T>G]GTATGGCTGTGGTGGAGGGAAGATGTTACAACCCATTACTAGGTAAATTGCATTTTTCTA-3'
Protein context (NP_000042.3, residues 2008-2028): IYRSIGEPDS[Leu2018Trp]YGCGGGKMLQ

ClinVar aggregate classification (germline): Uncertain significance. Review status: criteria provided, multiple submitters, no conflicts (2 of 4 stars). 2 submissions from 2 submitters: Uncertain significance (2). Last evaluated 2026-07-09.

Conditions:
Ataxia-telangiectasia syndrome (AT). Also called: LOUIS-BAR SYNDROME; Cerebello-oculocutaneous telangiectasia; Immunodeficiency with ataxia telangiectasia; Ataxia telangiectasia (A-T); Ataxia-telangiectasia, complementation group D; AT, COMPLEMENTATION GROUP C. Identifiers: Orphanet 100, MedGen C0004135, MONDO:0008840, OMIM 208900.
Hereditary cancer-predisposing syndrome. Also called: Tumor predisposition; Neoplastic Syndromes, Hereditary; Hereditary Cancer Syndrome; Hereditary neoplastic syndrome. Identifiers: Orphanet 140162, MedGen C0027672, MeSH D009386, MONDO:0015356.

Allele frequency attached by ClinVar (database versions not stated): ExAC 0.00001.
gnomAD v4.1: 1 of 1,613,536 alleles (0.000062%); highest among the groups gnomAD compares: South Asian, 0.0011%; no homozygotes.

Submissions (2):

Ambry Genetics
Classification: Uncertain significance for Hereditary cancer-predisposing syndrome. Last evaluated: 2026-07-09. Review status: criteria provided, single submitter. Criteria: Ambry Variant Classification Scheme 2023. Collection method: clinical testing. Allele origin: germline.
Comment: The p.L2018W variant (also known as c.6053T>G), located in coding exon 40 of the ATM gene, results from a T to G substitution at nucleotide position 6053. The leucine at codon 2018 is replaced by tryptophan, an amino acid with similar properties. In an assay testing ATM function, this variant showed a functionally normal result (Lee KS et al. Cell, 2025 Sep;188:5081-5099.e27). This amino acid position is highly conserved in available vertebrate species. In addition, the in silico prediction for this alteration is inconclusive. Based on the available evidence, the clinical significance of this variant remains unclear.

Labcorp Genetics (formerly Invitae), Labcorp
Classification: Uncertain significance for Ataxia-telangiectasia syndrome. Last evaluated: 2024-03-16. Review status: criteria provided, single submitter. Criteria: Invitae Variant Classification Sherloc (09022015). Collection method: clinical testing. Allele origin: germline.
Comment: This sequence change replaces leucine, which is neutral and non-polar, with tryptophan, which is neutral and slightly polar, at codon 2018 of the ATM protein (p.Leu2018Trp). This variant is present in population databases (rs755694394, gnomAD 0.003%). This variant has not been reported in the literature in individuals affected with ATM-related conditions. An algorithm developed to predict the effect of missense changes on protein structure and function (PolyPhen-2) suggests that this variant is likely to be disruptive. In summary, the available evidence is currently insufficient to determine the role of this variant in disease. Therefore, it has been classified as a Variant of Uncertain Significance.

Literature cited by the submitters: PubMed 40580951 (cited by Ambry Genetics).